The following is an entry in ClinVar:

ClinVar aggregate classification (germline): Likely benign. Review status: criteria provided, multiple submitters, no conflicts (2 of 4 stars). 2 submissions from 2 submitters: Likely benign (2). Last evaluated 2025-10-12.

Conditions:
FGFR3-related disorder. Also called: FGFR3-related disorders.

Allele frequency attached by ClinVar (database versions not stated): gnomAD 0.00001 and 0.00007; TOPMed 0.00004; gnomAD exomes 0.00018 and 0.00041; 1000 Genomes Project 30x 0.00031; 1000 Genomes Project 0.00040; ExAC 0.00071.

Submissions (2):

Labcorp Genetics (formerly Invitae), Labcorp
Classification: Likely benign. Last evaluated: 2025-10-12. Review status: criteria provided, single submitter. Criteria: Invitae Variant Classification Sherloc (09022015). Collection method: clinical testing. Allele origin: germline.

PreventionGenetics, part of Exact Sciences
Classification: Likely benign for FGFR3-related condition. Last evaluated: 2024-11-18. Review status: criteria provided, single submitter. Criteria: ACMG Guidelines, 2015. Collection method: clinical testing. Allele origin: germline.
Comment: This variant is classified as likely benign based on ACMG/AMP sequence variant interpretation guidelines (Richards et al. 2015 PMID: 25741868, with internal and published modifications).

NM_000142.5(FGFR3):c.304G>A (p.Glu102Lys)

Gene: FGFR3 (fibroblast growth factor receptor 3; plus strand). Cytogenetic location: 4p16.3.
Variant type: single nucleotide variant.
Coding change: c.304G>A on transcript NM_000142.5 (MANE Select); coding-DNA position 304, G replaced by A.
Protein change: p.Glu102Lys; replaces glutamic acid 102 with lysine.
Molecular consequence: missense variant. On other transcripts: non-coding transcript variant (1).
Genome position (GRCh38, 1-based): chr4:1,799,448, G>A. VCF-style: chr4-1799448-G-A. GRCh37 (hg19) VCF-style: chr4-1801175-G-A.
Other names: c.304G>A, p.Glu102Lys (NM_001163213.2, NM_001354809.2, NM_001354810.2 and 1 more transcripts); short protein forms E102K.
Identifiers: ClinVar variation 779719 (VCV000779719.9), dbSNP rs558935109, ClinGen allele CA2809764.